The following is an entry in ClinVar:

ClinVar aggregate classification (germline): Uncertain significance. Review status: criteria provided, multiple submitters, no conflicts (2 of 4 stars). 3 submissions from 3 submitters: Uncertain significance (2). 1 of the submissions does not count toward it. Last evaluated 2024-04-21.

Conditions:
Autosomal recessive nonsyndromic hearing loss 66 (DFNB66). Also called: Deafness, autosomal recessive 66. Identifiers: Orphanet 90636, MedGen C1857750, MONDO:0012442, OMIM 610212.
Isolated neonatal sclerosing cholangitis (NSC). Also called: Sclerosing cholangitis, neonatal. Identifiers: Orphanet 480556, MedGen C4479344, MONDO:0018816, OMIM 617394.
DCDC2-related disorder. Also called: DCDC2-related condition.
Nephronophthisis 19 (NPHP19). Identifiers: Orphanet 84081, MedGen C4015542, MONDO:0014537, OMIM 616217.

Allele frequency attached by ClinVar (database versions not stated): ExAC 0.00002; gnomAD 0.00003; TOPMed 0.00003.
gnomAD v4.1: 36 of 1,614,048 alleles (0.0022%); highest among the groups gnomAD compares: Middle Eastern, 0.016%; no homozygotes.

Submissions (3):

Fulgent Genetics
Classification: Uncertain significance for Autosomal recessive nonsyndromic hearing loss 66; Nephronophthisis 19; Isolated neonatal sclerosing cholangitis. Last evaluated: 2024-04-21. Review status: criteria provided, single submitter. Criteria: ACMG Guidelines, 2015. Collection method: clinical testing. Allele origin: germline.

Labcorp Genetics (formerly Invitae), Labcorp
Classification: Uncertain significance for Autosomal recessive nonsyndromic hearing loss 66; Isolated neonatal sclerosing cholangitis. Last evaluated: 2022-07-12. Review status: criteria provided, single submitter. Criteria: Invitae Variant Classification Sherloc (09022015). Collection method: clinical testing. Allele origin: germline.
Comment: This variant is present in population databases (rs761388263, gnomAD 0.006%). This sequence change replaces glutamic acid, which is acidic and polar, with lysine, which is basic and polar, at codon 389 of the DCDC2 protein (p.Glu389Lys). This variant has not been reported in the literature in individuals affected with DCDC2-related conditions. In summary, the available evidence is currently insufficient to determine the role of this variant in disease. Therefore, it has been classified as a Variant of Uncertain Significance. Algorithms developed to predict the effect of missense changes on protein structure and function output the following: SIFT: "Tolerated"; PolyPhen-2: "Benign"; Align-GVGD: "Class C0". The lysine amino acid residue is found in multiple mammalian species, which suggests that this missense change does not adversely affect protein function.

PreventionGenetics, part of Exact Sciences
Classification: Uncertain significance for DCDC2-related condition. Last evaluated: 2024-09-11. Review status: no assertion criteria provided. Collection method: clinical testing. Allele origin: germline. Not counted in ClinVar's aggregate classification.
Comment: The DCDC2 c.1165G>A variant is predicted to result in the amino acid substitution p.Glu389Lys. This variant has been documented in a patient from an autism spectrum disorder cohort; however clinical or functional information was not provided (Supplementary Table 20 in Fu et al. 2022. PubMed ID: 35982160). This variant is reported in 0.0085% of alleles in individuals of Latino descent in gnomAD. At this time, the clinical significance of this variant is uncertain due to the absence of conclusive functional and genetic evidence.

NM_016356.5(DCDC2):c.1165G>A (p.Glu389Lys)

Gene: DCDC2 (doublecortin domain containing 2; minus strand). Cytogenetic location: 6p22.3.
Variant type: single nucleotide variant.
Coding change: c.1165G>A on transcript NM_016356.5 (MANE Select); coding-DNA position 1165, G replaced by A.
Protein change: p.Glu389Lys; replaces glutamic acid 389 with lysine.
Molecular consequence: missense variant.
Genome position (GRCh38, 1-based): chr6:24,178,491, C>T on the plus strand (G>A on the coding strand, the complement: DCDC2 is on the minus strand). VCF-style: chr6-24178491-C-T. GRCh37 (hg19) VCF-style: chr6-24178719-C-T.
Other names: c.1165G>A, p.Glu389Lys (NM_001195610.2); c.1165G>A (NM_016356.4); short protein forms E389K.
Identifiers: ClinVar variation 2066584 (VCV002066584.6), dbSNP rs761388263, ClinGen allele CA3654498.